The following is an entry in ClinVar:

NM_024675.4(PALB2):c.2892A>G (p.Gly964=)

Gene: PALB2 (partner and localizer of BRCA2; minus strand). Cytogenetic location: 16p12.2.
Variant type: single nucleotide variant.
Coding change: c.2892A>G on transcript NM_024675.4 (MANE Select); coding-DNA position 2892, A replaced by G.
Protein change: p.Gly964=; no amino-acid change (glycine 964 retained).
Molecular consequence: synonymous variant.
Genome position (GRCh38, 1-based): chr16:23,623,073, T>C on the plus strand (A>G on the coding strand, the complement: PALB2 is on the minus strand). VCF-style: chr16-23623073-T-C. GRCh37 (hg19) VCF-style: chr16-23634394-T-C.
Identifiers: ClinVar variation 482015 (VCV000482015.49), dbSNP rs762772267, ClinGen allele CA279533861.
Genomic context (GRCh38, chr16:23,623,073, plus strand): 5'-AAGGGTCCCACTGCTACTAACTAGCCTCCTCTTTGTCAGGCCAAGCACAGCTTTTATATT[T>C]CCAGACTTCAGTAGTACTTGCTTTTCACTTTCATCATCAGAGGAACAAAACAATGCCCTA-3'
Protein context (NP_078951.2, residues 954-974): ESEKQVLLKS[Gly964=]NIKAVLGLTK

ClinVar aggregate classification (germline): Benign/Likely benign. Review status: criteria provided, multiple submitters, no conflicts (2 of 4 stars). 5 submissions from 5 submitters: Benign (1); Likely benign (4). Last evaluated 2025-06-29.

Conditions:
Familial cancer of breast. Also called: Hereditary breast cancer; hereditary breast carcinoma; BREAST CANCER, FAMILIAL. Identifiers: Orphanet 227535, MedGen C0346153, MONDO:0016419, OMIM 114480. Disease mechanism: loss of function.
Hereditary cancer-predisposing syndrome. Also called: Hereditary neoplastic syndrome; Tumor predisposition; Neoplastic Syndromes, Hereditary; Hereditary Cancer Syndrome. Identifiers: Orphanet 140162, MedGen C0027672, MeSH D009386, MONDO:0015356.

Allele frequency attached by ClinVar (database versions not stated): gnomAD exomes below 0.00001.
gnomAD v4.1: 2 of 1,614,052 alleles (0.00012%); highest among the groups gnomAD compares: Non-Finnish European, 0.000085%; no homozygotes.

Submissions (5):

Labcorp Genetics (formerly Invitae), Labcorp
Classification: Likely benign for Familial cancer of breast. Last evaluated: 2025-06-29. Review status: criteria provided, single submitter. Criteria: Invitae Variant Classification Sherloc (09022015). Collection method: clinical testing. Allele origin: germline.

Myriad Genetics, Inc.
Classification: Benign for Familial cancer of breast. Last evaluated: 2025-01-21. Review status: criteria provided, single submitter. Criteria: Myriad Autosomal Dominant, Autosomal Recessive and X-Linked Classification Criteria (2023). Collection method: clinical testing. Allele origin: unknown.
Comment: This variant is considered benign. This variant is a silent/synonymous amino acid change and it is not expected to impact splicing.

CeGaT Center for Human Genetics Tuebingen
Classification: Likely benign. Last evaluated: 2021-11-01. Review status: criteria provided, single submitter. Criteria: CeGaT Center For Human Genetics Tuebingen Variant Classification Criteria Version 2. Collection method: clinical testing. Allele origin: germline. Affected: yes. Observed: 1 variant allele.

GeneDx
Classification: Likely benign. Last evaluated: 2017-02-09. Review status: criteria provided, single submitter. Criteria: GeneDx Variant Classification (06012015). Collection method: clinical testing. Allele origin: germline. Affected: yes.
Comment: This variant is considered likely benign or benign based on one or more of the following criteria: it is a conservative change, it occurs at a poorly conserved position in the protein, it is predicted to be benign by multiple in silico algorithms, and/or has population frequency not consistent with disease.

Ambry Genetics
Classification: Likely benign for Hereditary cancer-predisposing syndrome. Last evaluated: 2016-01-29. Review status: criteria provided, single submitter. Criteria: Ambry Variant Classification Scheme 2023. Collection method: clinical testing. Allele origin: germline.